The following is an entry in ClinVar:

NM_000516.7(GNAS):c.212+1_212+3del

Gene: GNAS (GNAS complex locus; plus strand). Cytogenetic location: 20q13.32.
Variant type: Deletion.
Coding change: c.212+1_212+3del on transcript NM_000516.7 (MANE Select); the canonical splice donor site of the intron after coding-DNA position 212 through 3 bases into the intron after coding-DNA position 212, 3 bases deleted (GTA; older notation c.212+1_212+3delGTA).
Molecular consequence: splice donor variant.
Genome position (GRCh38, 1-based): chr20:58,895,685-58,895,687, GTA deleted; deleting any 3 consecutive bases within chr20:58,895,684-58,895,687 gives the same sequence; the c. name uses the placement nearest the transcript's 3' end. VCF-style (leftmost placement, unchanged base first): chr20-58895683-GAGT-G. GRCh37 (hg19) VCF-style: chr20-57470738-GAGT-G.
Other names: c.*115+1_*115+3del (NM_016592.5); c.35+1_35+3del (NM_001309861.2, NM_001309840.2); c.*73+1_*73+3del (NM_001077490.3); c.2141+1_2141+3del (NM_080425.4); c.*231+1_*231+3del (NM_001309883.1); c.212+1_212+3del (NM_001077488.5, NM_080426.4, NM_001077489.4 and 1 more transcripts).
Identifiers: ClinVar variation 1334503 (VCV001334503.5), dbSNP rs2146006354, ClinGen allele CA2573054891.

ClinVar aggregate classification (germline): Likely pathogenic. Review status: criteria provided, multiple submitters, no conflicts (2 of 4 stars). 2 submissions from 2 submitters: Likely pathogenic (2). Last evaluated 2025-11-18.

Conditions:
Pseudopseudohypoparathyroidism (PPHP). Also called: ALBRIGHT HEREDITARY OSTEODYSTROPHY WITHOUT MULTIPLE HORMONE RESISTANCE; Pseudopseudohypoparathyroidism (PPHP). Identifiers: Orphanet 79445, MedGen C0033835, MONDO:0012912, OMIM 612463.

Submissions (2):

Labcorp Genetics (formerly Invitae), Labcorp
Classification: Likely pathogenic. Last evaluated: 2025-11-18. Review status: criteria provided, single submitter. Criteria: Invitae Variant Classification Sherloc (09022015). Collection method: clinical testing. Allele origin: germline.
Comment: This sequence change affects a splice site in intron 2 of the GNAS gene. It is expected to disrupt RNA splicing. Variants that disrupt the donor or acceptor splice site typically lead to a loss of protein function (PMID: 16199547), and loss-of-function variants in GNAS are known to be pathogenic (PMID: 11784876, 23281139, 23796510, 25802881). This variant is not present in population databases (gnomAD no frequency). This variant has not been reported in the literature in individuals affected with GNAS-related conditions. ClinVar contains an entry for this variant (Variation ID: 1334503). Algorithms developed to predict the effect of sequence changes on RNA splicing suggest that this variant may disrupt the consensus splice site. In summary, the currently available evidence indicates that the variant is pathogenic, but additional data are needed to prove that conclusively. Therefore, this variant has been classified as Likely Pathogenic.

Greenwood Genetic Center Diagnostic Laboratories, Greenwood Genetic Center
Classification: Likely pathogenic for Pseudopseudohypoparathyroidism. Last evaluated: 2021-08-09. Review status: criteria provided, single submitter. Criteria: ACMG Guidelines, 2015. Collection method: clinical testing. Allele origin: germline. Affected: yes.
Comment: PVS1, PM2

Literature cited by the submitters: PubMed 16199547 (cited by Labcorp Genetics (formerly Invitae), Labcorp); PubMed 11784876 (cited by Labcorp Genetics (formerly Invitae), Labcorp); PubMed 23281139 (cited by Labcorp Genetics (formerly Invitae), Labcorp); PubMed 23796510 (cited by Labcorp Genetics (formerly Invitae), Labcorp); PubMed 25802881 (cited by Labcorp Genetics (formerly Invitae), Labcorp).